The following is an entry in ClinVar:

NM_182914.3(SYNE2):c.14938G>C (p.Asp4980His)

Gene: SYNE2 (spectrin repeat containing nuclear envelope protein 2; plus strand). Cytogenetic location: 14q23.2.
Variant type: single nucleotide variant.
Coding change: c.14938G>C on transcript NM_182914.3 (MANE Select); coding-DNA position 14938, G replaced by C.
Protein change: p.Asp4980His; replaces aspartic acid 4980 with histidine.
Molecular consequence: missense variant.
Genome position (GRCh38, 1-based): chr14:64,140,035, G>C. VCF-style: chr14-64140035-G-C. GRCh37 (hg19) VCF-style: chr14-64606753-G-C.
Other names: c.14938G>C, p.Asp4980His (NM_015180.6); short protein forms D4980H.
Identifiers: ClinVar variation 2764649 (VCV002764649.3), dbSNP rs2549352532, ClinGen allele CA389939725.

ClinVar aggregate classification (germline): Uncertain significance (1 of 4 stars; one submission).

Conditions:
Emery-Dreifuss muscular dystrophy 5, autosomal dominant (EDMD5). Also called: EMERY-DREIFUSS MUSCULAR DYSTROPHY 5. Identifiers: Orphanet 261, MedGen C2751805, MONDO:0013072, OMIM 612999.

Submission:

Labcorp Genetics (formerly Invitae), Labcorp
Classification: Uncertain significance for Emery-Dreifuss muscular dystrophy 5, autosomal dominant. Last evaluated: 2023-09-30. Review status: criteria provided, single submitter. Criteria: Invitae Variant Classification Sherloc (09022015). Collection method: clinical testing. Allele origin: germline.
Comment: In summary, the available evidence is currently insufficient to determine the role of this variant in disease. Therefore, it has been classified as a Variant of Uncertain Significance. An algorithm developed to predict the effect of missense changes on protein structure and function (PolyPhen-2) suggests that this variant is likely to be disruptive. This variant has not been reported in the literature in individuals affected with SYNE2-related conditions. This variant is not present in population databases (gnomAD no frequency). This sequence change replaces aspartic acid, which is acidic and polar, with histidine, which is basic and polar, at codon 4980 of the SYNE2 protein (p.Asp4980His).